The following is an entry in ClinVar:

NM_004380.3(CREBBP):c.3836+10T>C

Gene: CREBBP (CREB binding lysine acetyltransferase; minus strand). Cytogenetic location: 16p13.3.
Variant type: single nucleotide variant.
Coding change: c.3836+10T>C on transcript NM_004380.3 (MANE Select); 10 bases into the intron after coding-DNA position 3836, T replaced by C.
Molecular consequence: intron variant.
Genome position (GRCh38, 1-based): chr16:3,749,617, A>G on the plus strand (T>C on the coding strand, the complement: CREBBP is on the minus strand). VCF-style: chr16-3749617-A-G. GRCh37 (hg19) VCF-style: chr16-3799618-A-G.
Other names: p.?; c.3722+10T>C (NM_001079846.1).
Identifiers: ClinVar variation 4684072 (VCV004684072.1).

ClinVar aggregate classification (germline): Likely benign (1 of 4 stars; one submission).

gnomAD v4.1: 29 of 1,585,838 alleles (0.0018%); highest among the groups gnomAD compares: East Asian, 0.065%; no homozygotes.

Submission:

Mayo Clinic Laboratories, Mayo Clinic
Classification: Likely benign. Last evaluated: 2025-07-15. Review status: criteria provided, single submitter. Criteria: ACMG Guidelines, 2015. Collection method: clinical testing. Allele origin: germline. Observed: 1 variant allele.
Comment: BP4, BP7